The following is an entry in ClinVar:

ClinVar aggregate classification (germline): Uncertain significance (1 of 4 stars; one submission).

Allele frequency attached by ClinVar (database versions not stated): ExAC 0.00002; gnomAD 0.00002 and 0.00003; gnomAD exomes 0.00002.

Submission:

Labcorp Genetics (formerly Invitae), Labcorp
Classification: Uncertain significance. Last evaluated: 2026-01-26. Review status: criteria provided, single submitter. Criteria: Invitae Variant Classification Sherloc (09022015). Collection method: clinical testing. Allele origin: germline.
Comment: This sequence change replaces arginine, which is basic and polar, with histidine, which is basic and polar, at codon 43 of the KIF22 protein (p.Arg43His). This variant is present in population databases (rs762313585, gnomAD 0.006%). This missense change has been observed in individual(s) with PTH1R-related conditions (PMID: 35250876). ClinVar contains an entry for this variant (Variation ID: 1441922). Invitae Evidence Modeling of protein sequence and biophysical properties (such as structural, functional, and spatial information, amino acid conservation, physicochemical variation, residue mobility, and thermodynamic stability) indicates that this missense variant is not expected to disrupt KIF22 protein function with a negative predictive value of 80%. In summary, the available evidence is currently insufficient to determine the role of this variant in disease. Therefore, it has been classified as a Variant of Uncertain Significance.

Literature cited by the submitters: PubMed 35250876.

NM_007317.3(KIF22):c.128G>A (p.Arg43His)

Gene: KIF22 (kinesin family member 22; plus strand). Cytogenetic location: 16p11.2.
Variant type: single nucleotide variant.
Coding change: c.128G>A on transcript NM_007317.3 (MANE Select); coding-DNA position 128, G replaced by A.
Protein change: p.Arg43His; replaces arginine 43 with histidine.
Molecular consequence: missense variant. On other transcripts: 5 prime UTR variant (2).
Genome position (GRCh38, 1-based): chr16:29,796,950, G>A. VCF-style: chr16-29796950-G-A. GRCh37 (hg19) VCF-style: chr16-29808271-G-A.
Other names: c.-77G>A (NM_001256269.2, NM_001256270.1); short protein forms R43H.
Identifiers: ClinVar variation 1441922 (VCV001441922.8), dbSNP rs762313585, ClinGen allele CA7992908.
Genomic context (GRCh38, chr16:29,796,950, plus strand): 5'-CAGGAGCTGGTCGCTGTCGGCTAAGCAAGATTGGAGCTACTCGTCGTCCACCTCCAGCTC[G>A]CGTAAGGGTGGCTGTGCGACTGCGGCCATTTGTGGATGGAACAGCGGGAGCAAGTGATCC-3'
Protein context (NP_015556.1, residues 33-53): IGATRRPPPA[Arg43His]VRVAVRLRPF